The following is an entry in ClinVar:

NM_022051.3(EGLN1):c.431C>T (p.Pro144Leu)

Gene: EGLN1 (egl-9 family hypoxia inducible factor 1; minus strand). Cytogenetic location: 1q42.2.
Variant type: single nucleotide variant.
Coding change: c.431C>T on transcript NM_022051.3 (MANE Select); coding-DNA position 431, C replaced by T.
Protein change: p.Pro144Leu; replaces proline 144 with leucine.
Molecular consequence: missense variant.
Genome position (GRCh38, 1-based): chr1:231,421,458, G>A on the plus strand (C>T on the coding strand, the complement: EGLN1 is on the minus strand). VCF-style: chr1-231421458-G-A. GRCh37 (hg19) VCF-style: chr1-231557204-G-A.
Other names: c.431C>T, p.Pro144Leu (NM_001377260.1, NM_001377261.1); short protein forms P144L.
Identifiers: ClinVar variation 4247389 (VCV004247389.1).

ClinVar aggregate classification (germline): Uncertain significance (1 of 4 stars; one submission).

Submission:

Ambry Genetics
Classification: Uncertain significance. Last evaluated: 2025-07-04. Review status: criteria provided, single submitter. Criteria: Ambry Variant Classification Scheme 2023. Collection method: clinical testing. Allele origin: germline.
Comment: The p.P144L variant (also known as c.431C>T), located in coding exon 1 of the EGLN1 gene, results from a C to T substitution at nucleotide position 431. The proline at codon 144 is replaced by leucine, an amino acid with similar properties. This amino acid position is conserved. In addition, this alteration is predicted to be tolerated by in silico analysis. Based on the available evidence, the clinical significance of this variant remains unclear.